The following is an entry in ClinVar:

NM_003480.4(MFAP5):c.248-3C>G

Gene: MFAP5 (microfibril associated protein 5; minus strand). Cytogenetic location: 12p13.31.
Variant type: single nucleotide variant.
Coding change: c.248-3C>G on transcript NM_003480.4 (MANE Select); 3 bases into the intron before coding-DNA position 248, C replaced by G.
Molecular consequence: intron variant.
Genome position (GRCh38, 1-based): chr12:8,650,592, G>C on the plus strand (C>G on the coding strand, the complement: MFAP5 is on the minus strand). VCF-style: chr12-8650592-G-C. GRCh37 (hg19) VCF-style: chr12-8803188-G-C.
Other names: c.182-3C>G (NM_001297710.2); c.173-3C>G (NM_001297711.2); c.218-2389C>G (NM_001297712.2); c.218-3C>G (NM_001297709.2).
Identifiers: ClinVar variation 1433539 (VCV001433539.6), dbSNP rs2136461580, ClinGen allele CA2573148537.

ClinVar aggregate classification (germline): Uncertain significance (1 of 4 stars; one submission).

gnomAD v4.1: 1 of 1,611,886 alleles (0.000062%); no homozygotes.

Submission:

Labcorp Genetics (formerly Invitae), Labcorp
Classification: Uncertain significance. Last evaluated: 2024-12-19. Review status: criteria provided, single submitter. Criteria: Invitae Variant Classification Sherloc (09022015). Collection method: clinical testing. Allele origin: germline.
Comment: This sequence change falls in intron 7 of the MFAP5 gene. It does not directly change the encoded amino acid sequence of the MFAP5 protein. It affects a nucleotide within the consensus splice site. This variant is not present in population databases (gnomAD no frequency). This variant has not been reported in the literature in individuals affected with MFAP5-related conditions. ClinVar contains an entry for this variant (Variation ID: 1433539). Variants that disrupt the consensus splice site are a relatively common cause of aberrant splicing (PMID: 17576681, 9536098). Algorithms developed to predict the effect of sequence changes on RNA splicing suggest that this variant may disrupt the consensus splice site. In summary, the available evidence is currently insufficient to determine the role of this variant in disease. Therefore, it has been classified as a Variant of Uncertain Significance.

Literature cited by the submitters: PubMed 17576681; PubMed 9536098.